The following is an entry in ClinVar:

ClinVar aggregate classification (germline): Uncertain significance (1 of 4 stars; one submission).

Submission:

Labcorp Genetics (formerly Invitae), Labcorp
Classification: Uncertain significance. Last evaluated: 2023-07-25. Review status: criteria provided, single submitter. Criteria: Invitae Variant Classification Sherloc (09022015). Collection method: clinical testing. Allele origin: germline.
Comment: In summary, the available evidence is currently insufficient to determine the role of this variant in disease. Therefore, it has been classified as a Variant of Uncertain Significance. Advanced modeling of protein sequence and biophysical properties (such as structural, functional, and spatial information, amino acid conservation, physicochemical variation, residue mobility, and thermodynamic stability) performed at Invitae indicates that this missense variant is not expected to disrupt FZD4 protein function. This variant has not been reported in the literature in individuals affected with FZD4-related conditions. This variant is not present in population databases (gnomAD no frequency). This sequence change replaces tryptophan, which is neutral and slightly polar, with arginine, which is basic and polar, at codon 3 of the FZD4 protein (p.Trp3Arg).

NM_012193.4(FZD4):c.7T>C (p.Trp3Arg)

Genes: FZD4 (frizzled class receptor 4; minus strand), LOC130006561 (ATAC-STARR-seq lymphoblastoid silent region 3828; plus strand). Cytogenetic location: 11q14.2.
Variant type: single nucleotide variant.
Coding change: c.7T>C on transcript NM_012193.4 (MANE Select); coding-DNA position 7, T replaced by C.
Protein change: p.Trp3Arg; replaces tryptophan 3 with arginine.
Molecular consequence: missense variant.
Genome position (GRCh38, 1-based): chr11:86,955,079, A>G on the plus strand (T>C on the coding strand, the complement: FZD4 is on the minus strand). VCF-style: chr11-86955079-A-G. GRCh37 (hg19) VCF-style: chr11-86666121-A-G.
Other names: short protein forms W3R.
Identifiers: ClinVar variation 2746262 (VCV002746262.3), dbSNP rs2495875218, ClinGen allele CA382018687.
Genomic context (GRCh38, chr11:86,955,079, plus strand): 5'-ACCCCAGACTGAGACCGACGCCCCCGGGCGCCCCCGGGACGCTCGGCCCTGCGCCCCGCC[A>G]GGCCATGGCCAGCATCGGGGGTAGCAGCGGCAGCGGCTGGGGCTGCTCTGGCAGACACCC-3'
Protein context (NP_036325.2, residues 1-13): MA[Trp3Arg]RGAGPSVPGA